The following is an entry in ClinVar:

NM_130839.5(UBE3A):c.1693G>A (p.Gly565Arg)

Genes: SNHG14 (small nucleolar RNA host gene 14; plus strand), UBE3A (ubiquitin protein ligase E3A; minus strand). Cytogenetic location: 15q11.2.
Variant type: single nucleotide variant.
Coding change: c.1693G>A on transcript NM_130839.5 (MANE Select); coding-DNA position 1693, G replaced by A.
Protein change: p.Gly565Arg; replaces glycine 565 with arginine.
Molecular consequence: missense variant. On other transcripts: non-coding transcript variant (1).
Genome position (GRCh38, 1-based): chr15:25,360,443, C>T on the plus strand (G>A on the coding strand, the complement: UBE3A is on the minus strand). VCF-style: chr15-25360443-C-T. GRCh37 (hg19) VCF-style: chr15-25605590-C-T.
Other names: c.1702G>A, p.Gly568Arg (NM_000462.5); c.1693G>A, p.Gly565Arg (NM_001354505.1, NM_001354538.2, NM_001354545.2); c.1633G>A, p.Gly545Arg (NM_001354506.2, NM_001354507.2, NM_001354508.2 and 17 more transcripts); c.1516G>A, p.Gly506Arg (NM_001354546.2); c.442G>A, p.Gly148Arg (NM_001354550.2); c.382G>A, p.Gly128Arg (NM_001354551.2); short protein forms G545R, G506R, G128R, G148R, G565R, G568R.
Identifiers: ClinVar variation 155986 (VCV000155986.4), dbSNP rs587781233, ClinGen allele CA333366.
Genomic context (GRCh38, chr15:25,360,443, plus strand): 5'-CAATATCTGGATTGAAGATTTCCTCCACAACCAGCTGAAAAAATTCTTTGGAAACACCTC[C>T]CTCATCAACTCCTTGTTCTCCTTCAAATTCCACATACAACTGCTTCTTCAAGTCTGCAGG-3'
Protein context (NP_570854.1, residues 555-575): EFEGEQGVDE[Gly565Arg]GVSKEFFQLV

ClinVar aggregate classification (germline): Likely pathogenic. Review status: criteria provided, single submitter (1 of 4 stars). 2 submissions from 2 submitters: Likely pathogenic (1). 1 of the submissions does not count toward it. Last evaluated 2016-05-26.

Conditions:
Inborn genetic diseases. Identifiers: MedGen C0950123, MeSH D030342.
Angelman syndrome (AS). Also called: HAPPY PUPPET SYNDROME. Identifiers: Orphanet 72, MedGen C0162635, MONDO:0007113, OMIM 105830. Disease mechanism: loss of function. Inheritance: AS is caused by disruption of maternally imprinted UBE3A located within the 15q11.2-q13 Angelman syndrome/Prader-Willi syndrome (AS/PWS) region., imprinting disorder.

Submissions (2):

Ambry Genetics
Classification: Likely pathogenic for Inborn genetic diseases. Last evaluated: 2016-05-26. Review status: criteria provided, single submitter. Criteria: Ambry exome assertion method (8-5-2015). Collection method: clinical testing. Allele origin: germline. Affected: yes. Observed: 1 variant allele.

Baylor Genetics
Classification: Pathogenic for Angelman Syndrome. Last evaluated: 2014-02-14. Review status: no assertion criteria provided. Collection method: clinical testing. Allele origin: de novo. Affected: yes. Observed: 1 variant allele. Study: UBE3A Mutation Study. Not counted in ClinVar's aggregate classification.
Comment: Data collected from clinical UBE3A sequence analysis results

Literature cited by the submitters: PubMed 25212744 (cited by Baylor Genetics).